The following is an entry in ClinVar:

NM_005996.4(TBX3):c.1227C>G (p.Asp409Glu)

Gene: TBX3 (T-box transcription factor 3; minus strand). Cytogenetic location: 12q24.21.
Variant type: single nucleotide variant.
Coding change: c.1227C>G on transcript NM_005996.4 (MANE Select); coding-DNA position 1227, C replaced by G.
Protein change: p.Asp409Glu; replaces aspartic acid 409 with glutamic acid.
Molecular consequence: missense variant.
Genome position (GRCh38, 1-based): chr12:114,674,648, G>C on the plus strand (C>G on the coding strand, the complement: TBX3 is on the minus strand). VCF-style: chr12-114674648-G-C. GRCh37 (hg19) VCF-style: chr12-115112453-G-C.
Other names: c.1287C>G (NM_016569.3); c.1287C>G, p.Asp429Glu (NM_016569.4); short protein forms D409E, D429E.
Identifiers: ClinVar variation 3453896 (VCV003453896.2).
Genomic context (GRCh38, chr12:114,674,648, plus strand): 5'-CAGGCCGCGAGTGCTGGACGAGATGGTGGCGGGGCTATGGCGTGAGTCGGGCGACGCTTT[G>C]TCCAGCCGCCCGCTGTCCCGGGGCCGCTCAGCAGCGAAAAGGTGAGCCTTGACCGCGGGG-3'
Protein context (NP_005987.3, residues 399-419): AERPRDSGRL[Asp409Glu]KASPDSRHSP

ClinVar aggregate classification (germline): Uncertain significance. Review status: criteria provided, multiple submitters, no conflicts (2 of 4 stars). 2 submissions from 2 submitters: Uncertain significance (2). Last evaluated 2024-10-07.

Conditions:
TBX3-related disorder. Also called: TBX3-related condition.
Inborn genetic diseases. Identifiers: MedGen C0950123, MeSH D030342.

Submissions (2):

PreventionGenetics, part of Exact Sciences
Classification: Uncertain significance for TBX3-related condition. Last evaluated: 2024-10-07. Review status: criteria provided, single submitter. Criteria: ACMG Guidelines, 2015. Collection method: clinical testing. Allele origin: germline.
Comment: The TBX3 c.1287C>G variant is predicted to result in the amino acid substitution p.Asp429Glu. To our knowledge, this variant has not been reported in the literature or in a large population database, indicating this variant is rare. At this time, the clinical significance of this variant is uncertain due to the absence of conclusive functional and genetic evidence.

Ambry Genetics
Classification: Uncertain significance for Inborn genetic diseases. Last evaluated: 2024-07-14. Review status: criteria provided, single submitter. Criteria: Ambry Variant Classification Scheme 2023. Collection method: clinical testing. Allele origin: germline.